The following is an entry in ClinVar:

NM_198525.3(KIF7):c.3010C>T (p.Arg1004Cys)

Gene: KIF7 (kinesin family member 7; minus strand). Cytogenetic location: 15q26.1.
Variant type: single nucleotide variant.
Coding change: c.3010C>T on transcript NM_198525.3 (MANE Select); coding-DNA position 3010, C replaced by T.
Protein change: p.Arg1004Cys; replaces arginine 1004 with cysteine.
Molecular consequence: missense variant.
Genome position (GRCh38, 1-based): chr15:89,631,596, G>A on the plus strand (C>T on the coding strand, the complement: KIF7 is on the minus strand). VCF-style: chr15-89631596-G-A. GRCh37 (hg19) VCF-style: chr15-90174827-G-A.
Other names: short protein forms R1004C.
Identifiers: ClinVar variation 1388211 (VCV001388211.4), dbSNP rs143309556, ClinGen allele CA7727861.
Genomic context (GRCh38, chr15:89,631,596, plus strand): 5'-TCTCCAGGCGCTGCTTGAGCAGCGAGTCCTTCTCCTGGCGCAGGCTGTCGATCTCCCCGC[G>A]GATCTGCTGCTGGCTCTGGGCGCTGCCCTGCCGCAGCTGCCCGCTCTTCTCGGACAGCTC-3'
Protein context (NP_940927.2, residues 994-1014): QGSAQSQQQI[Arg1004Cys]GEIDSLRQEK

ClinVar aggregate classification (germline): Uncertain significance (1 of 4 stars; one submission).

Conditions:
Acrocallosal syndrome (ACLS). Also called: HALLUX DUPLICATION, POSTAXIAL POLYDACTYLY, AND ABSENCE OF CORPUS CALLOSUM; Schinzel syndrome 1; Absence of corpus callosum with unusual facial appearance, mental deficiency, duplication of the halluces and polydactyly. Identifiers: Orphanet 36, MedGen C0796147, MONDO:0008708, OMIM 200990.

Allele frequency attached by ClinVar (database versions not stated): gnomAD exomes 0.00003; gnomAD 0.00005; TOPMed 0.00005; ExAC 0.00007; ESP Exome Variant Server 0.00015.
gnomAD v4.1: 43 of 1,562,880 alleles (0.0028%); highest among the groups gnomAD compares: South Asian, 0.013%; no homozygotes.

Submission:

Labcorp Genetics (formerly Invitae), Labcorp
Classification: Uncertain significance for Acrocallosal syndrome. Last evaluated: 2023-07-17. Review status: criteria provided, single submitter. Criteria: Invitae Variant Classification Sherloc (09022015). Collection method: clinical testing. Allele origin: germline.
Comment: This sequence change replaces arginine, which is basic and polar, with cysteine, which is neutral and slightly polar, at codon 1004 of the KIF7 protein (p.Arg1004Cys). This variant is present in population databases (rs143309556, gnomAD 0.007%). This variant has not been reported in the literature in individuals affected with KIF7-related conditions. ClinVar contains an entry for this variant (Variation ID: 1388211). Advanced modeling of protein sequence and biophysical properties (such as structural, functional, and spatial information, amino acid conservation, physicochemical variation, residue mobility, and thermodynamic stability) has been performed at Invitae for this missense variant, however the output from this modeling did not meet the statistical confidence thresholds required to predict the impact of this variant on KIF7 protein function. In summary, the available evidence is currently insufficient to determine the role of this variant in disease. Therefore, it has been classified as a Variant of Uncertain Significance.